The following is an entry in ClinVar:

NM_001042517.2(DIAPH3):c.3226C>T (p.Arg1076Cys)

Gene: DIAPH3 (diaphanous related formin 3; minus strand). Cytogenetic location: 13q21.2.
Variant type: single nucleotide variant.
Coding change: c.3226C>T on transcript NM_001042517.2 (MANE Select); coding-DNA position 3226, C replaced by T.
Protein change: p.Arg1076Cys; replaces arginine 1076 with cysteine.
Molecular consequence: missense variant.
Genome position (GRCh38, 1-based): chr13:59,774,761, G>A on the plus strand (C>T on the coding strand, the complement: DIAPH3 is on the minus strand). VCF-style: chr13-59774761-G-A. GRCh37 (hg19) VCF-style: chr13-60348895-G-A.
Other names: c.3193C>T, p.Arg1065Cys (NM_001258366.2); c.3088C>T, p.Arg1030Cys (NM_001258367.2); c.3016C>T, p.Arg1006Cys (NM_001258368.2); c.3226C>T, p.Arg1076Cys (NM_001258369.2); c.2437C>T, p.Arg813Cys (NM_030932.4); short protein forms R1006C, R1030C, R1076C, R1065C, R813C.
Identifiers: ClinVar variation 735256 (VCV000735256.21), dbSNP rs201517886, ClinGen allele CA6996120.

ClinVar aggregate classification (germline): Conflicting classifications of pathogenicity. Review status: criteria provided, conflicting classifications (1 of 4 stars). 7 submissions from 7 submitters: Uncertain significance (1); Likely benign (5). 1 of the submissions does not count toward it. Last evaluated 2026-02-01.

Conditions:
DIAPH3-related disorder. Also called: DIAPH3-related condition.

Allele frequency attached by ClinVar (database versions not stated): 1000 Genomes Project 0.00040; 1000 Genomes Project 30x 0.00047; TOPMed 0.00089; gnomAD 0.00099 and 0.00102; gnomAD exomes 0.00132 and 0.00147; ESP Exome Variant Server 0.00139; ExAC 0.00168.
gnomAD v4.1: 2,264 of 1,614,026 alleles (0.14%); highest among the groups gnomAD compares: Non-Finnish European, 0.17%; 5 homozygotes.

Submissions (7):

CeGaT Center for Human Genetics Tuebingen
Classification: Likely benign. Last evaluated: 2026-02-01. Review status: criteria provided, single submitter. Criteria: CeGaT Center For Human Genetics Tuebingen Variant Classification Criteria Version 2. Collection method: clinical testing. Allele origin: germline. Affected: yes. Observed: 1 variant allele.
Comment: DIAPH3: BS2

Labcorp Genetics (formerly Invitae), Labcorp
Classification: Likely benign. Last evaluated: 2025-11-25. Review status: criteria provided, single submitter. Criteria: Invitae Variant Classification Sherloc (09022015). Collection method: clinical testing. Allele origin: germline.

Ambry Genetics
Classification: Uncertain significance. Last evaluated: 2025-08-04. Review status: criteria provided, single submitter. Criteria: Ambry Variant Classification Scheme 2023. Collection method: clinical testing. Allele origin: germline.

Blueprint Genetics
Classification: Likely benign. Last evaluated: 2024-11-25. Review status: criteria provided, single submitter. Criteria: ACMG Guidelines, 2015. Collection method: clinical testing. Allele origin: germline.

GeneDx
Classification: Likely benign. Last evaluated: 2020-10-20. Review status: criteria provided, single submitter. Criteria: GeneDx Variant Classification Process June 2021. Collection method: clinical testing. Allele origin: germline. Affected: yes.

Breakthrough Genomics
Classification: Likely benign. Review status: criteria provided, single submitter. Criteria: ACMG Guidelines, 2015. Collection method: not provided. Allele origin: germline. Inheritance: Autosomal dominant inheritance. Affected: yes.

PreventionGenetics, part of Exact Sciences
Classification: Likely benign for DIAPH3-related condition. Last evaluated: 2019-07-23. Review status: no assertion criteria provided. Collection method: clinical testing. Allele origin: germline. Not counted in ClinVar's aggregate classification.
Comment: This variant is classified as likely benign based on ACMG/AMP sequence variant interpretation guidelines (Richards et al. 2015 PMID: 25741868, with internal and published modifications).